The following is an entry in ClinVar:

ClinVar aggregate classification (germline): Uncertain significance. Review status: criteria provided, multiple submitters, no conflicts (2 of 4 stars). 2 submissions from 2 submitters: Uncertain significance (2). Last evaluated 2022-12-11.

Allele frequency attached by ClinVar (database versions not stated): TOPMed 0.00001.
gnomAD v4.1: 2 of 1,614,202 alleles (0.00012%); highest among the groups gnomAD compares: African/African-American, 0.0027%; no homozygotes.

Submissions (2):

Labcorp Genetics (formerly Invitae), Labcorp
Classification: Uncertain significance. Last evaluated: 2022-12-11. Review status: criteria provided, single submitter. Criteria: Invitae Variant Classification Sherloc (09022015). Collection method: clinical testing. Allele origin: germline.
Comment: Algorithms developed to predict the effect of missense changes on protein structure and function output the following: SIFT: "Tolerated"; PolyPhen-2: "Benign"; Align-GVGD: "Class C0". The leucine amino acid residue is found in multiple mammalian species, which suggests that this missense change does not adversely affect protein function. In summary, the available evidence is currently insufficient to determine the role of this variant in disease. Therefore, it has been classified as a Variant of Uncertain Significance. ClinVar contains an entry for this variant (Variation ID: 1003642). This missense change has been observed in individual(s) with clinical features of retinitis pigmentosa (Invitae). This variant is not present in population databases (gnomAD no frequency). This sequence change replaces methionine, which is neutral and non-polar, with leucine, which is neutral and non-polar, at codon 394 of the RP1 protein (p.Met394Leu).

Blueprint Genetics
Classification: Uncertain significance. Last evaluated: 2022-09-15. Review status: criteria provided, single submitter. Criteria: ACMG Guidelines, 2015. Collection method: clinical testing. Allele origin: germline.

NM_006269.2(RP1):c.1180A>T (p.Met394Leu)

Gene: RP1 (RP1 axonemal microtubule associated; plus strand). Cytogenetic location: 8q12.1.
Variant type: single nucleotide variant.
Coding change: c.1180A>T on transcript NM_006269.2 (MANE Select); coding-DNA position 1180, A replaced by T.
Protein change: p.Met394Leu; replaces methionine 394 with leucine.
Molecular consequence: missense variant. On other transcripts: intron variant (1).
Genome position (GRCh38, 1-based): chr8:54,625,062, A>T. VCF-style: chr8-54625062-A-T. GRCh37 (hg19) VCF-style: chr8-55537622-A-T.
Other names: c.787+2774A>T (NM_001375654.1); short protein forms M394L.
Identifiers: ClinVar variation 1003642 (VCV001003642.9), dbSNP rs763523179, ClinGen allele CA177236652.
Genomic context (GRCh38, chr8:54,625,062, plus strand): 5'-GAAAGTCGATCATCTGGTTTAAAGCTTGCAGCATGTTCATTCTCTGCAGATGTGTCACCT[A>T]TGGAGCGAAGCAGTAATCAAGAGGGCAGTTTGGCAGAGGAGATAAACATTCAAATGACAG-3'
Protein context (NP_006260.1, residues 384-404): ACSFSADVSP[Met394Leu]ERSSNQEGSL